The following is an entry in ClinVar:

ClinVar aggregate classification (germline): Benign/Likely benign. Review status: criteria provided, multiple submitters, no conflicts (2 of 4 stars). 5 submissions from 4 submitters: Benign (1); Likely benign (4). Last evaluated 2026-01-18.

Conditions:
RAX2-related disorder. Also called: RAX2-related disorders; RAX2-related condition.
Age related macular degeneration 6. Identifiers: MedGen C3151060, MONDO:0013406, OMIM 613757.
Cone-rod dystrophy 11 (CORD11). Identifiers: Orphanet 1872, MedGen C1835865, MONDO:0012483, OMIM 610381.

Allele frequency attached by ClinVar (database versions not stated): gnomAD 0.00001; TOPMed 0.00007; ExAC 0.00010; gnomAD exomes 0.00025.

Submissions (5):

Labcorp Genetics (formerly Invitae), Labcorp
Classification: Likely benign. Last evaluated: 2026-01-18. Review status: criteria provided, single submitter. Criteria: Invitae Variant Classification Sherloc (09022015). Collection method: clinical testing. Allele origin: germline.

PreventionGenetics, part of Exact Sciences
Classification: Likely benign for RAX2-related condition. Last evaluated: 2025-01-02. Review status: criteria provided, single submitter. Criteria: ACMG Guidelines, 2015. Collection method: clinical testing. Allele origin: germline.
Comment: This variant is classified as likely benign based on ACMG/AMP sequence variant interpretation guidelines (Richards et al. 2015 PMID: 25741868, with internal and published modifications).

Blueprint Genetics
Classification: Likely benign. Last evaluated: 2024-06-10. Review status: criteria provided, single submitter. Criteria: ACMG Guidelines, 2015. Collection method: clinical testing. Allele origin: germline.

Illumina Laboratory Services, Illumina
Classification: Benign for Cone-rod dystrophy 11. Last evaluated: 2018-01-13. Review status: criteria provided, single submitter. Criteria: ICSL Variant Classification Criteria 13 December 2019. Collection method: clinical testing. Allele origin: germline.
Comment: This variant was observed in the ICSL laboratory as part of a predisposition screen in an ostensibly healthy population. It had not been previously curated by ICSL or reported in the Human Gene Mutation Database (HGMD: prior to June 1st, 2018), and was therefore a candidate for classification through an automated scoring system. Utilizing variant allele frequency, disease prevalence and penetrance estimates, and inheritance mode, an automated score was calculated to assess if this variant is too frequent to cause the disease. Based on the score and internal cut-off values, a variant classified as benign is not then subjected to further curation. The score for this variant resulted in a classification of benign for this disease.

Illumina Laboratory Services, Illumina
Classification: Likely benign for Age related macular degeneration 6. Last evaluated: 2018-01-13. Review status: criteria provided, single submitter. Criteria: ICSL Variant Classification Criteria 13 December 2019. Collection method: clinical testing. Allele origin: germline.
Comment: This variant was observed in the ICSL laboratory as part of a predisposition screen in an ostensibly healthy population. It had not been previously curated by ICSL or reported in the Human Gene Mutation Database (HGMD: prior to June 1st, 2018), and was therefore a candidate for classification through an automated scoring system. Utilizing variant allele frequency, disease prevalence and penetrance estimates, and inheritance mode, an automated score was calculated to assess if this variant is too frequent to cause the disease. Based on the score and internal cut-off values, a variant classified as likely benign is not then subjected to further curation. The score for this variant resulted in a classification of likely benign for this disease.

NM_001319074.4(RAX2):c.217-10C>T

Gene: RAX2 (retina and anterior neural fold homeobox 2; minus strand). Cytogenetic location: 19p13.3.
Variant type: single nucleotide variant.
Coding change: c.217-10C>T on transcript NM_001319074.4 (MANE Select); 10 bases into the intron before coding-DNA position 217, C replaced by T.
Molecular consequence: intron variant.
Genome position (GRCh38, 1-based): chr19:3,770,969, G>A on the plus strand (C>T on the coding strand, the complement: RAX2 is on the minus strand). VCF-style: chr19-3770969-G-A. GRCh37 (hg19) VCF-style: chr19-3770967-G-A.
Other names: c.217-10C>T (NM_032753.4).
Identifiers: ClinVar variation 328968 (VCV000328968.17), dbSNP rs772762463, ClinGen allele CA9085069.
Genomic context (GRCh38, chr19:3,770,969, plus strand): 5'-CTCCAGCCGCTCCTGGCGGCGCCACTTGGCCCGGCGGTTCTGGAACCACACCTGGAGGGT[G>A]CGAGAGGGAAGGGGGGTTGCTGTGAGCTCAGCCGCTCCCCGCCAATCCTCGGACCCCCTC-3'